The following is an entry in ClinVar:

ClinVar aggregate classification (germline): Benign/Likely benign. Review status: criteria provided, multiple submitters, no conflicts (2 of 4 stars). 5 submissions from 5 submitters: Benign (4); Likely benign (1). Last evaluated 2026-01-27.

Conditions:
RASopathy. Also called: rasopathies; Noonan spectrum disorder. Identifiers: Orphanet 536391, MedGen C5555857, MONDO:0021060.

Allele frequency attached by ClinVar (database versions not stated): gnomAD exomes 0.00077 and 0.00014; 1000 Genomes Project 0.00160; 1000 Genomes Project 30x 0.00172; gnomAD 0.00024 and 0.00028; TOPMed 0.00044; ExAC 0.00068.
gnomAD v4.1: 261 of 1,613,916 alleles (0.016%); highest among the groups gnomAD compares: East Asian, 0.54%; 2 homozygotes.

Submissions (5):

Labcorp Genetics (formerly Invitae), Labcorp
Classification: Benign for RASopathy. Last evaluated: 2026-01-27. Review status: criteria provided, single submitter. Criteria: Invitae Variant Classification Sherloc (09022015). Collection method: clinical testing. Allele origin: germline.

Blueprint Genetics
Classification: Likely benign. Last evaluated: 2024-09-17. Review status: criteria provided, single submitter. Criteria: ACMG Guidelines, 2015. Collection method: clinical testing. Allele origin: germline.

Women's Health and Genetics/Laboratory Corporation of America, LabCorp
Classification: Benign. Last evaluated: 2019-10-21. Review status: criteria provided, single submitter. Criteria: LabCorp Variant Classification Summary - May 2015. Collection method: clinical testing. Allele origin: germline.
Comment: Variant summary: RAF1 c.1537-11G>A alters a non-conserved nucleotide located close to a canonical splice site and therefore could affect mRNA splicing, leading to a significantly altered protein sequence. 3/5 computational tools predict no significant impact on normal splicing. However, these predictions have yet to be confirmed by functional studies. The variant allele was found at a frequency of 0.00077 in 251234 control chromosomes, predominantly at a frequency of 0.01 within the East Asian subpopulation in the gnomAD database, including 2 homozygotes. The observed variant frequency within East Asian control individuals in the gnomAD database is approximately 399.99 fold of the estimated maximal expected allele frequency for a pathogenic variant in RAF1 causing Noonan Syndrome and Related Conditions phenotype (2.5e-05), strongly suggesting that the variant is a benign polymorphism found primarily in populations of East Asian origin. To our knowledge, no occurrence of c.1537-11G>A in individuals affected with Noonan Syndrome and Related Conditions and no experimental evidence demonstrating its impact on protein function have been reported. Two clinical diagnostic laboratories have submitted clinical-significance assessments for this variant to ClinVar after 2014 without evidence for independent evaluation. All laboratories classified the variant as benign. Based on the evidence outlined above, the variant was classified as benign.

Laboratory for Molecular Medicine, Mass General Brigham Personalized Medicine
Classification: Benign. Last evaluated: 2018-04-30. Review status: criteria provided, single submitter. Criteria: LMM Criteria. Collection method: clinical testing. Allele origin: germline. Observed: 1 variant allele.
Comment: c.1537-11G>A in intron 14 of RAF1: This variant is classified as benign because it has been identified in 1.1% (206/1864) of East Asian chromosomes by the Genom e Aggregation Database (gnomAD; dbSNP rs182394 722). ACMG/AMP Criteria applied: BA1.

GeneDx
Classification: Benign. Last evaluated: 2017-10-05. Review status: criteria provided, single submitter. Criteria: GeneDx Variant Classification (06012015). Collection method: clinical testing. Allele origin: germline. Affected: yes.
Comment: This variant is considered likely benign or benign based on one or more of the following criteria: it is a conservative change, it occurs at a poorly conserved position in the protein, it is predicted to be benign by multiple in silico algorithms, and/or has population frequency not consistent with disease.

NM_002880.4(RAF1):c.1537-11G>A

Gene: RAF1 (Raf-1 proto-oncogene, serine/threonine kinase; minus strand). Cytogenetic location: 3p25.2.
Variant type: single nucleotide variant.
Coding change: c.1537-11G>A on transcript NM_002880.4 (MANE Select); 11 bases into the intron before coding-DNA position 1537, G replaced by A.
Molecular consequence: intron variant.
Genome position (GRCh38, 1-based): chr3:12,585,264, C>T on the plus strand (G>A on the coding strand, the complement: RAF1 is on the minus strand). VCF-style: chr3-12585264-C-T. GRCh37 (hg19) VCF-style: chr3-12626763-C-T.
Other names: c.1195-11G>A (NM_001354695.3); c.1294-11G>A (NM_001354692.3, NM_001354691.3); c.1354-11G>A (NM_001354694.3); c.1438-11G>A (NM_001354693.3); c.1597-11G>A (NM_001354689.3); c.1537-11G>A (NM_001354690.3).
Identifiers: ClinVar variation 378466 (VCV000378466.15), dbSNP rs182394722, ClinGen allele CA2259474.
Genomic context (GRCh38, chr3:12,585,264, plus strand): 5'-GACTGGAAACTGAATGGGTTGTTATCCTGCATTCGGATCACCTCTGGGGCCTACATGTAT[C>T]ACCATATGACAAAAGTGCATTTATCACCATATGACAGGCCTCACAGACATCTAGGGGCCA-3'